The following is an entry in ClinVar:

ClinVar aggregate classification (germline): Conflicting classifications of pathogenicity. Review status: criteria provided, conflicting classifications (1 of 4 stars). 4 submissions from 4 submitters: Uncertain significance (1); Likely benign (3). Last evaluated 2025-06-18.

Conditions:
Hereditary breast ovarian cancer syndrome. Also called: Hereditary breast and ovarian cancer syndrome (HBOC); BRCA1- and BRCA2-Associated Hereditary Breast and Ovarian Cancer; Hereditary breast and/or ovarian cancer syndrome; Hereditary breast and ovarian cancer syndrome; Hereditary breast and ovarian cancer; Breast and ovarian cancer. Identifiers: Orphanet 145, MedGen C0677776, MeSH D061325, MONDO:0003582. Disease mechanism: loss of function.
Hereditary cancer-predisposing syndrome. Also called: Neoplastic Syndromes, Hereditary; Hereditary neoplastic syndrome; Tumor predisposition; Hereditary Cancer Syndrome. Identifiers: Orphanet 140162, MedGen C0027672, MeSH D009386, MONDO:0015356.

Allele frequency attached by ClinVar (database versions not stated): gnomAD 0.00001 and 0.00002; gnomAD exomes 0.00001; TOPMed 0.00001; ExAC 0.00002; 1000 Genomes Project 30x 0.00016; 1000 Genomes Project 0.00020.
gnomAD v4.1: 6 of 1,612,586 alleles (0.00037%); highest among the groups gnomAD compares: African/African-American, 0.004%; no homozygotes.

Submissions (5):

Labcorp Genetics (formerly Invitae), Labcorp
Classification: Likely benign for Hereditary breast ovarian cancer syndrome. Last evaluated: 2025-06-18. Review status: criteria provided, single submitter. Criteria: Invitae Variant Classification Sherloc (09022015). Collection method: clinical testing. Allele origin: germline.

Color Diagnostics, LLC DBA Color Health
Classification: Likely benign for Hereditary cancer-predisposing syndrome. Last evaluated: 2023-02-07. Review status: criteria provided, single submitter. Criteria: ACMG Guidelines, 2015. Collection method: clinical testing. Allele origin: germline.

GeneDx
Classification: Likely benign. Last evaluated: 2021-07-27. Review status: criteria provided, single submitter. Criteria: GeneDx Variant Classification Process June 2021. Collection method: clinical testing. Allele origin: germline. Affected: yes.
Comment: This variant is associated with the following publications: (PMID: 30209399)

Quest Diagnostics Nichols Institute San Juan Capistrano
Classification: Uncertain significance. Last evaluated: 2017-01-18. Review status: criteria provided, single submitter. Criteria: Quest Diagnostics criteria. Collection method: clinical testing. Allele origin: germline.

Brotman Baty Institute, University of Washington
No classification provided (evidence only). Condition: Breast-ovarian cancer, familial 1. Review status: no classification provided. Collection method: in vitro. Allele origin: not applicable. Functional consequence: functionally_normal. Not counted in ClinVar's aggregate classification.
ClinVar note: "not provided" was previously submitted as the classification for the variant. However, the classification appeared to be based only on an observation of functional data so it was converted to no classification on 2025-07-30.

NM_007294.4(BRCA1):c.5333-7A>G

Gene: BRCA1 (BRCA1 DNA repair associated; minus strand). Cytogenetic location: 17q21.31.
Variant type: single nucleotide variant.
Coding change: c.5333-7A>G on transcript NM_007294.4 (MANE Select); 7 bases into the intron before coding-DNA position 5333, A replaced by G.
Molecular consequence: intron variant.
Genome position (GRCh38, 1-based): chr17:43,049,201, T>C on the plus strand (A>G on the coding strand, the complement: BRCA1 is on the minus strand). VCF-style: chr17-43049201-T-C. GRCh37 (hg19) VCF-style: chr17-41201218-T-C.
Other names: c.1880-7A>G (NM_001408458.1, NM_001408461.1, NM_001408464.1 and 7 more transcripts); c.4442-7A>G (NM_001407967.1); c.4952-7A>G (NM_001407959.1); c.5066-7A>G (NM_001407931.1, NM_001407932.1, NM_001407928.1 and 4 more transcripts); c.5189-7A>G (NM_001407747.1, NM_001407745.1, NM_001407737.1 and 18 more transcripts); c.4949-7A>G (NM_001407962.1, NM_001407960.1); c.1520-7A>G (NM_001408512.1); c.1643-7A>G (NM_001408510.1); and 84 more.
Identifiers: ClinVar variation 438940 (VCV000438940.21), dbSNP rs538969920, ClinGen allele CA054601.